The following is an entry in ClinVar:

NM_001145026.2(PTPRQ):c.293C>T (p.Pro98Leu)

Gene: PTPRQ (protein tyrosine phosphatase receptor type Q; plus strand). Cytogenetic location: 12q21.31.
Variant type: single nucleotide variant.
Coding change: c.293C>T on transcript NM_001145026.2 (MANE Select); coding-DNA position 293, C replaced by T.
Protein change: p.Pro98Leu; replaces proline 98 with leucine.
Molecular consequence: missense variant.
Genome position (GRCh38, 1-based): chr12:80,445,620, C>T. VCF-style: chr12-80445620-C-T. GRCh37 (hg19) VCF-style: chr12-80839400-C-T.
Other names: short protein forms P98L.
Identifiers: ClinVar variation 1314594 (VCV001314594.3), dbSNP rs1161543075, ClinGen allele CA385866645.

ClinVar aggregate classification (germline): Uncertain significance. Review status: criteria provided, multiple submitters, no conflicts (2 of 4 stars). 2 submissions from 2 submitters: Uncertain significance (2). Last evaluated 2024-07-17.

Allele frequency attached by ClinVar (database versions not stated): gnomAD 0.00001 and 0.00002; TOPMed 0.00002; gnomAD exomes 0.00010.
gnomAD v4.1: 54 of 1,549,788 alleles (0.0035%); highest among the groups gnomAD compares: South Asian, 0.0071%; no homozygotes.

Submissions (2):

Blueprint Genetics
Classification: Uncertain significance. Last evaluated: 2024-07-17. Review status: criteria provided, single submitter. Criteria: ACMG Guidelines, 2015. Collection method: clinical testing. Allele origin: germline.

GeneDx
Classification: Uncertain significance. Last evaluated: 2020-01-24. Review status: criteria provided, single submitter. Criteria: GeneDx Variant Classification Process June 2021. Collection method: clinical testing. Allele origin: germline. Affected: yes.
Comment: In silico analysis, which includes protein predictors and evolutionary conservation, supports a deleterious effect; Has not been previously published as pathogenic or benign to our knowledge